The following is an entry in ClinVar:

ClinVar aggregate classification (germline): Uncertain significance (1 of 4 stars; one submission).

Submission:

Labcorp Genetics (formerly Invitae), Labcorp
Classification: Uncertain significance. Last evaluated: 2023-01-25. Review status: criteria provided, single submitter. Criteria: Invitae Variant Classification Sherloc (09022015). Collection method: clinical testing. Allele origin: germline.
Comment: In summary, the available evidence is currently insufficient to determine the role of this variant in disease. Therefore, it has been classified as a Variant of Uncertain Significance. Advanced modeling of protein sequence and biophysical properties (such as structural, functional, and spatial information, amino acid conservation, physicochemical variation, residue mobility, and thermodynamic stability) performed at Invitae indicates that this missense variant is not expected to disrupt KCNQ5 protein function. This variant has not been reported in the literature in individuals affected with KCNQ5-related conditions. This variant is not present in population databases (gnomAD no frequency). This sequence change replaces valine, which is neutral and non-polar, with isoleucine, which is neutral and non-polar, at codon 284 of the KCNQ5 protein (p.Val284Ile).

NM_019842.4(KCNQ5):c.850G>A (p.Val284Ile)

Gene: KCNQ5 (potassium voltage-gated channel subfamily Q member 5; plus strand). Cytogenetic location: 6q13.
Variant type: single nucleotide variant.
Coding change: c.850G>A on transcript NM_019842.4 (MANE Select); coding-DNA position 850, G replaced by A.
Protein change: p.Val284Ile; replaces valine 284 with isoleucine.
Molecular consequence: missense variant.
Genome position (GRCh38, 1-based): chr6:73,077,819, G>A. VCF-style: chr6-73077819-G-A. GRCh37 (hg19) VCF-style: chr6-73787542-G-A.
Other names: c.850G>A, p.Val284Ile (NM_001160130.2, NM_001160132.2, NM_001160133.2 and 1 more transcripts); short protein forms V284I.
Identifiers: ClinVar variation 2831940 (VCV002831940.3), dbSNP rs2533593462, ClinGen allele CA364826620.
Genomic context (GRCh38, chr6:73,077,819, plus strand): 5'-TAGGAATTAATCACAGCTTGGTACATAGGATTTTTGGTTCTTATTTTTTCGTCTTTCCTT[G>A]TCTATCTGGTGGAAAAGGATGCCAATAAAGAGTTTTCTACATATGCAGATGCTCTCTGGT-3'
Protein context (NP_062816.2, residues 274-294): FLVLIFSSFL[Val284Ile]YLVEKDANKE